The following is an entry in ClinVar:

NM_003500.4(ACOX2):c.961G>A (p.Val321Ile)

Gene: ACOX2 (acyl-CoA oxidase 2; minus strand). Cytogenetic location: 3p14.3.
Variant type: single nucleotide variant.
Coding change: c.961G>A on transcript NM_003500.4 (MANE Select); coding-DNA position 961, G replaced by A.
Protein change: p.Val321Ile; replaces valine 321 with isoleucine.
Molecular consequence: missense variant.
Genome position (GRCh38, 1-based): chr3:58,530,497, C>T on the plus strand (G>A on the coding strand, the complement: ACOX2 is on the minus strand). VCF-style: chr3-58530497-C-T. GRCh37 (hg19) VCF-style: chr3-58516224-C-T.
Other names: short protein forms V321I.
Identifiers: ClinVar variation 4741056 (VCV004741056.1).

ClinVar aggregate classification (germline): Uncertain significance (1 of 4 stars; one submission).

Submission:

Labcorp Genetics (formerly Invitae), Labcorp
Classification: Uncertain significance. Last evaluated: 2025-08-29. Review status: criteria provided, single submitter. Criteria: Invitae Variant Classification Sherloc (09022015). Collection method: clinical testing. Allele origin: germline.
Comment: This sequence change replaces valine, which is neutral and non-polar, with isoleucine, which is neutral and non-polar, at codon 321 of the ACOX2 protein (p.Val321Ile). This variant is not present in population databases (gnomAD no frequency). This variant has not been reported in the literature in individuals affected with ACOX2-related conditions. Invitae Evidence Modeling of protein sequence and biophysical properties (such as structural, functional, and spatial information, amino acid conservation, physicochemical variation, residue mobility, and thermodynamic stability) indicates that this missense variant is not expected to disrupt ACOX2 protein function with a negative predictive value of 80%. In summary, the available evidence is currently insufficient to determine the role of this variant in disease. Therefore, it has been classified as a Variant of Uncertain Significance.